The following is an entry in ClinVar:

ClinVar aggregate classification (germline): Uncertain significance (1 of 4 stars; one submission).

Conditions:
MOGS-congenital disorder of glycosylation. Also called: GLUCOSIDASE I DEFICIENCY; CDG IIb; CDG 2B; MOGS-CDG. Identifiers: Orphanet 79330, MedGen C1853736, MONDO:0011629, OMIM 606056.

Allele frequency attached by ClinVar (database versions not stated): gnomAD exomes below 0.00001.
gnomAD v4.1: 1 of 1,614,022 alleles (0.000062%); highest among the groups gnomAD compares: Non-Finnish European, 0.000085%; no homozygotes.

Submission:

Labcorp Genetics (formerly Invitae), Labcorp
Classification: Uncertain significance for MOGS-congenital disorder of glycosylation. Last evaluated: 2022-09-13. Review status: criteria provided, single submitter. Criteria: Invitae Variant Classification Sherloc (09022015). Collection method: clinical testing. Allele origin: germline.
Comment: This sequence change replaces arginine, which is basic and polar, with glycine, which is neutral and non-polar, at codon 134 of the MOGS protein (p.Arg134Gly). This variant is not present in population databases (gnomAD no frequency). This variant has not been reported in the literature in individuals affected with MOGS-related conditions. ClinVar contains an entry for this variant (Variation ID: 1485883). Advanced modeling of protein sequence and biophysical properties (such as structural, functional, and spatial information, amino acid conservation, physicochemical variation, residue mobility, and thermodynamic stability) performed at Invitae indicates that this missense variant is expected to disrupt MOGS protein function. In summary, the available evidence is currently insufficient to determine the role of this variant in disease. Therefore, it has been classified as a Variant of Uncertain Significance.

NM_006302.3(MOGS):c.400A>G (p.Arg134Gly)

Gene: MOGS (mannosyl-oligosaccharide glucosidase; minus strand). Cytogenetic location: 2p13.1.
Variant type: single nucleotide variant.
Coding change: c.400A>G on transcript NM_006302.3 (MANE Select); coding-DNA position 400, A replaced by G.
Protein change: p.Arg134Gly; replaces arginine 134 with glycine.
Molecular consequence: missense variant.
Genome position (GRCh38, 1-based): chr2:74,464,675, T>C on the plus strand (A>G on the coding strand, the complement: MOGS is on the minus strand). VCF-style: chr2-74464675-T-C. GRCh37 (hg19) VCF-style: chr2-74691802-T-C.
Other names: c.82A>G, p.Arg28Gly (NM_001146158.2); short protein forms R134G, R28G.
Identifiers: ClinVar variation 1485883 (VCV001485883.5), dbSNP rs1672015747, ClinGen allele CA347381983.